The following is an entry in ClinVar:

NM_000465.4(BARD1):c.93C>G (p.Arg31=)

Gene: BARD1 (BRCA1 associated RING domain 1; minus strand). Cytogenetic location: 2q35.
Variant type: single nucleotide variant.
Coding change: c.93C>G on transcript NM_000465.4 (MANE Select); coding-DNA position 93, C replaced by G.
Protein change: p.Arg31=; no amino-acid change (arginine 31 retained).
Molecular consequence: synonymous variant. On other transcripts: non-coding transcript variant (3).
Genome position (GRCh38, 1-based): chr2:214,809,477, G>C on the plus strand (C>G on the coding strand, the complement: BARD1 is on the minus strand). VCF-style: chr2-214809477-G-C. GRCh37 (hg19) VCF-style: chr2-215674201-G-C.
Other names: c.93C>G, p.Arg31= (NM_001282543.2, NM_001282545.2, NM_001282548.2 and 1 more transcripts).
Identifiers: ClinVar variation 237846 (VCV000237846.29), dbSNP rs778803692, ClinGen allele CA2090518.
Genomic context (GRCh38, chr2:214,809,477, plus strand): 5'-CGAGCAGCGCAGCAGCTTCTCCAGGCGGTCGAGCGCGGCGCGACTGTGGGCCCAGGCACC[G>C]CGACCATCCGGTTCCATGGCGGGCGCGGAACGAGGCTCGTTCCCGGAGCGGATCCTCGGC-3'
Protein context (NP_000456.2, residues 21-41): RSAPAMEPDG[Arg31=]GAWAHSRAAL

ClinVar aggregate classification (germline): Conflicting classifications of pathogenicity. Review status: criteria provided, conflicting classifications (1 of 4 stars). 8 submissions from 8 submitters: Uncertain significance (1); Benign (1); Likely benign (5). 1 of the submissions does not count toward it. Last evaluated 2025-11-29.

Conditions:
BARD1-related disorder. Also called: BARD1-related condition.
Hereditary cancer-predisposing syndrome. Also called: Neoplastic Syndromes, Hereditary; Hereditary neoplastic syndrome; Tumor predisposition; Hereditary Cancer Syndrome. Identifiers: Orphanet 140162, MedGen C0027672, MeSH D009386, MONDO:0015356.
Familial cancer of breast. Also called: BREAST CANCER, FAMILIAL; hereditary breast carcinoma; Hereditary breast cancer. Identifiers: Orphanet 227535, MedGen C0346153, MONDO:0016419, OMIM 114480. Disease mechanism: loss of function.

Allele frequency attached by ClinVar (database versions not stated): TOPMed 0.00002.
gnomAD v4.1: 1 of 1,609,794 alleles (0.000062%); highest among the groups gnomAD compares: African/African-American, 0.0013%; no homozygotes.

Submissions (8):

Women's Health and Genetics/Laboratory Corporation of America, LabCorp
Classification: Likely benign. Last evaluated: 2025-11-29. Review status: criteria provided, single submitter. Criteria: LabCorp Variant Classification Summary - May 2015. Collection method: clinical testing. Allele origin: germline.

Labcorp Genetics (formerly Invitae), Labcorp
Classification: Likely benign for Familial cancer of breast. Last evaluated: 2025-11-10. Review status: criteria provided, single submitter. Criteria: Invitae Variant Classification Sherloc (09022015). Collection method: clinical testing. Allele origin: germline.

Myriad Genetics, Inc.
Classification: Benign for Familial cancer of breast. Last evaluated: 2024-07-18. Review status: criteria provided, single submitter. Criteria: Myriad Autosomal Dominant, Autosomal Recessive and X-Linked Classification Criteria (2023). Collection method: clinical testing. Allele origin: unknown.
Comment: This variant is considered benign. This variant is a silent/synonymous amino acid change and it is not expected to impact splicing.

GeneDx
Classification: Likely benign. Last evaluated: 2020-06-29. Review status: criteria provided, single submitter. Criteria: GeneDx Variant Classification Process June 2021. Collection method: clinical testing. Allele origin: germline. Affected: yes.

Color Diagnostics, LLC DBA Color Health
Classification: Likely benign for Hereditary cancer-predisposing syndrome. Last evaluated: 2018-01-29. Review status: criteria provided, single submitter. Criteria: ACMG Guidelines, 2015. Collection method: clinical testing. Allele origin: germline.

Illumina Laboratory Services, Illumina
Classification: Uncertain significance for Familial cancer of breast. Last evaluated: 2018-01-12. Review status: criteria provided, single submitter. Criteria: ICSL Variant Classification Criteria 13 December 2019. Collection method: clinical testing. Allele origin: germline.

Ambry Genetics
Classification: Likely benign for Hereditary cancer-predisposing syndrome. Last evaluated: 2015-10-23. Review status: criteria provided, single submitter. Criteria: Ambry Variant Classification Scheme 2023. Collection method: clinical testing. Allele origin: germline.

PreventionGenetics, part of Exact Sciences
Classification: Likely benign for BARD1-related condition. Last evaluated: 2022-08-31. Review status: no assertion criteria provided. Collection method: clinical testing. Allele origin: germline. Not counted in ClinVar's aggregate classification.
Comment: This variant is classified as likely benign based on ACMG/AMP sequence variant interpretation guidelines (Richards et al. 2015 PMID: 25741868, with internal and published modifications).